The following is an entry in ClinVar:

NM_031471.6(FERMT3):c.613C>A (p.Pro205Thr)

Gene: FERMT3 (FERM domain containing kindlin 3; plus strand). Cytogenetic location: 11q13.1.
Variant type: single nucleotide variant.
Coding change: c.613C>A on transcript NM_031471.6 (MANE Select); coding-DNA position 613, C replaced by A.
Protein change: p.Pro205Thr; replaces proline 205 with threonine.
Molecular consequence: missense variant.
Genome position (GRCh38, 1-based): chr11:64,211,373, C>A. VCF-style: chr11-64211373-C-A. GRCh37 (hg19) VCF-style: chr11-63978845-C-A.
Other names: c.613C>A, p.Pro205Thr (NM_001382361.1, NM_001382362.1, NM_001382448.1 and 1 more transcripts); c.73C>A, p.Pro25Thr (NM_001382363.1, NM_001382364.1); short protein forms P205T, P25T.
Identifiers: ClinVar variation 1449830 (VCV001449830.6), dbSNP rs2134845949, ClinGen allele CA381082546.

ClinVar aggregate classification (germline): Uncertain significance (1 of 4 stars; one submission).

Conditions:
Leukocyte adhesion deficiency 3. Also called: Leukocyte adhesion deficiency, type III; INTEGRIN ACTIVATION DEFICIENCY DISEASE; LEUKOCYTE ADHESION DEFICIENCY 1 VARIANT. Identifiers: Orphanet 2968, Orphanet 99844, MedGen C2748536, MONDO:0013016, OMIM 612840.

Submission:

Labcorp Genetics (formerly Invitae), Labcorp
Classification: Uncertain significance for Leukocyte adhesion deficiency 3. Last evaluated: 2021-12-07. Review status: criteria provided, single submitter. Criteria: Invitae Variant Classification Sherloc (09022015). Collection method: clinical testing. Allele origin: germline.
Comment: This sequence change replaces proline, which is neutral and non-polar, with threonine, which is neutral and polar, at codon 205 of the FERMT3 protein (p.Pro205Thr). This variant is not present in population databases (gnomAD no frequency). This variant has not been reported in the literature in individuals affected with FERMT3-related conditions. Algorithms developed to predict the effect of missense changes on protein structure and function (SIFT, PolyPhen-2, Align-GVGD) all suggest that this variant is likely to be tolerated. In summary, the available evidence is currently insufficient to determine the role of this variant in disease. Therefore, it has been classified as a Variant of Uncertain Significance.